The following is an entry in ClinVar:

NM_001379291.1(BRD4):c.220C>G (p.Leu74Val)

Gene: BRD4 (bromodomain containing 4; minus strand). Cytogenetic location: 19p13.12.
Variant type: single nucleotide variant.
Coding change: c.220C>G on transcript NM_001379291.1 (MANE Select); coding-DNA position 220, C replaced by G.
Protein change: p.Leu74Val; replaces leucine 74 with valine.
Molecular consequence: missense variant.
Genome position (GRCh38, 1-based): chr19:15,272,880, G>C on the plus strand (C>G on the coding strand, the complement: BRD4 is on the minus strand). VCF-style: chr19-15272880-G-C. GRCh37 (hg19) VCF-style: chr19-15383691-G-C.
Other names: c.220C>G, p.Leu74Val (NM_001330384.2, NM_001379292.1, NM_014299.3 and 1 more transcripts); short protein forms L74V.
Identifiers: ClinVar variation 3371056 (VCV003371056.1).
Genomic context (GRCh38, chr19:15,272,880, plus strand): 5'-GGTTCAGCTTGACGGCATCCACAGGCTGCTGGAAAGGCCATGCAAACTGGTGTTTCCATA[G>C]TGTCTTGAGCACCACTCTGAGCAGGTATTGCAGTTGGTTGGTCTGCCTCTTGGGCTTGTT-3'
Protein context (NP_001366220.1, residues 64-84): QYLLRVVLKT[Leu74Val]WKHQFAWPFQ

ClinVar aggregate classification (germline): Uncertain significance (1 of 4 stars; one submission).

Submission:

GeneDx
Classification: Uncertain significance. Last evaluated: 2024-03-15. Review status: criteria provided, single submitter. Criteria: GeneDx Variant Classification Process June 2021. Collection method: clinical testing. Allele origin: germline. Affected: yes.
Comment: Not observed at significant frequency in large population cohorts (gnomAD); In silico analysis supports that this missense variant has a deleterious effect on protein structure/function; Has not been previously published as pathogenic or benign to our knowledge